The following continues an entry in ClinVar:

NM_000256.3(MYBPC3):c.1591G>A (p.Gly531Arg)

Gene: MYBPC3. ClinVar aggregate classification (germline): Conflicting classifications of pathogenicity. Pathogenic (1); Likely pathogenic (21); Uncertain significance (1).

Submissions 9 to 18 of 26:

PreventionGenetics, part of Exact Sciences
Classification: Likely pathogenic for MYBPC3-related condition. Last evaluated: 2024-11-22. Review status: criteria provided, single submitter. Criteria: ACMG Guidelines, 2015. Collection method: clinical testing. Allele origin: germline.
Comment: The MYBPC3 c.1591G>A variant is predicted to result in the amino acid substitution p.Gly531Arg. This variant has been reported in several individuals with hypertrophic cardiomyopathy (HCM) (see for example, Olivotto et al. 2008. PubMed ID: 18533079; Table S2, Waldmüller et al. 2011. PubMed ID: 21750094; Table S1A, Walsh et al. 2016. PubMed ID: 27532257) and in one individual with dilated cardiomyopathy (Table S2, Waldmüller et al. 2011. PubMed ID: 2175009). An alternate nucleotide change affecting the same genomic position (c.1591G>C; p.Gly531Arg) has been reported in individuals with HCM (see for example, Olivotto et al. 2011. PubMed ID: 21835320; Walsh et al. 2016. PubMed ID: 27532257) and in at least one individual with left ventricular non-compaction (Table S3, Miszalski-Jamka et al. 2017. PubMed ID: 28798025). A functional study of c.1591G>C using engineered heart tissue in MYBPC3-knock out mice showed reduced contractile forces and inability to recover hypercontractivity (Wijnker et al. 2016. PubMed ID: 27108529). This variant is reported in 8 alleles out of 247,086 alleles in gnomAD. This variant is interpreted as likely pathogenic.

Clinical Genetics Laboratory, Skane University Hospital Lund
Classification: Likely pathogenic for Primary familial hypertrophic cardiomyopathy. Last evaluated: 2024-10-29. Review status: criteria provided, single submitter. Criteria: ACMG Guidelines, 2015. Collection method: clinical testing. Allele origin: germline. Affected: yes.
Comment: ACMG criteria used: PS1, PS4_Moderate

Victorian Clinical Genetics Services, Murdoch Childrens Research Institute
Classification: Likely pathogenic for Hypertrophic cardiomyopathy 4. Last evaluated: 2024-10-08. Review status: criteria provided, single submitter. Criteria: ACMG Guidelines, 2015. Collection method: clinical testing. Allele origin: germline.
Comment: Based on the classification scheme VCGS_Germline_v1.3.4, this variant is classified as Likely pathogenic. Following criteria are met: 0102 - Loss of function is a known mechanism of disease in this gene and is associated with hypertrophic cardiomyopathy 4 (HCM; MIM#115197). (I) 0108 - This gene is associated with both recessive and dominant disease. Dominant inheritance is frequently reported in adult-onset conditions and recessive inheritance results in a more severe early onset phenotype (OMIM). (I) 0115 - Variants in this gene are known to have variable expressivity (PMID: 32841044). (I) 0200 - Variant is predicted to result in a missense amino acid change from glycine to arginine. (I) 0251 - This variant is heterozygous. (I) 0304 - Variant is present in gnomAD (v2 and v3 (non-v2)) <0.01 (12 heterozygotes, 0 homozygotes). A different nucleotide substitution resulting in the same amino acid change has also been observed in gnomAD (v2 and v3 (non-v2): 8 heterozygotes, 0 homozygotes). (SP) 0309 - An alternative amino acid change at the same position has been observed in gnomAD (v3) (p.(Gly531Trp): 1 heterozygote, 0 homozygotes). (I) 0501 - Missense variant consistently predicted to be damaging by multiple in silico tools or highly conserved with a major amino acid change. (SP) 0600 - Variant is located in the annotated Immunoglobulin I-set domain (DECIPHER). (I) 0710 - Another missense variant comparable to the one identified in this case has inconclusive previous evidence for pathogenicity. The p.(Gly531Trp) variant has been classified as a VUS by multiple clinical diagnostic laboratories (ClinVar). (I) 0801 - This variant has strong previous evidence of pathogenicity in unrelated individuals. This variant (G>A) and a different nucleotide substitution (G>C), which result in the same amino acid change, have been classified as likely pathogenic and pathogenic by multiple clinical diagnostic laboratories and have been reported in multiple individuals with HCM (ClinVar; Atlas of Cardiac Genetic Variation; PMIDs: 21750094, 24793961, 28356264, 31941943, 32841044, 36291626). Additionally, this amino acid change has also been classified as a VUS by two clinical diagnostic laboratories and has also been reported in one individual with left ventricular noncompaction cardiomyopathy (ClinVar; PMID: 28798025). (SP) 1002 - This variant has moderate functional evidence supporting abnormal protein function. Mutant constructs (c.1591G>C; p.(Gly531Arg)) transfected into knockout engineered heart cells mice tissues and expressed either as heterozygous or homozygous demonstrated abnormal force and contraction velocity compared to WT (PMID: 27108529). (I) Legend: (SP) - Supporting pathogenic, (I) - Information, (SB) - Supporting benign

CeGaT Center for Human Genetics Tuebingen
Classification: Likely pathogenic. Last evaluated: 2024-07-01. Review status: criteria provided, single submitter. Criteria: CeGaT Center For Human Genetics Tuebingen Variant Classification Criteria Version 2. Collection method: clinical testing. Allele origin: germline. Affected: yes. Observed: 2 variant alleles.
Comment: MYBPC3: PS1, PS4:Moderate, PM2:Supporting, PS3:Supporting

All of Us Research Program, National Institutes of Health
Classification: Likely pathogenic for Hypertrophic cardiomyopathy. Last evaluated: 2024-06-09. Review status: criteria provided, single submitter. Criteria: ACMG Guidelines, 2015. Collection method: clinical testing. Allele origin: germline. Inheritance: Autosomal dominant inheritance. Observed: 8 variant alleles, 8 heterozygotes.
Comment: This missense variant replaces glycine with arginine at codon 531 of the MYBPC3 protein (c.1591G>A; p.Gly531Arg). Computational prediction suggests that this variant may have deleterious impact on protein structure and function (internally defined REVEL score threshold >= 0.7, PMID: 27666373). A functional study has shown that a different nucleotide change with the same protein effect (c.1591G>C; p.Gly531Arg) does not fully rescue the hypercontractile phenotype of heart tissue from Mybpc3 knockout mouse (PMID: 27108529). Considering both c.1591G>A and c.1591G>C nucleotide changes, the p.Gly531Arg missense variant has been reported in over 10 individuals affected with hypertrophic cardiomyopathy (PMID: 16858239, 18533079, 19150014, 20624503, 21750094, 21835320, 22765922, 23508784, 27483260, 27532257, 28356264, 32369506, 33495597, 33673806). This variant has been identified in 8/247086 chromosomes in the general population by the Genome Aggregation Database (gnomAD). Based on the available evidence, this variant is classified as Likely Pathogenic.

This study involves interpretation of variants in research participants for the purpose of population health screening. Participant phenotype was not available at the time of variant classification. Additional details can be found in publication PMID: 35346344, PMCID: PMC8962531

Genomic Medicine Center of Excellence, King Faisal Specialist Hospital and Research Centre
Classification: Likely pathogenic for Hypertrophic cardiomyopathy 4. Last evaluated: 2024-04-04. Review status: criteria provided, single submitter. Criteria: ACMG Guidelines, 2015. Collection method: clinical testing. Allele origin: germline.

Fulgent Genetics
Classification: Likely pathogenic for Hypertrophic cardiomyopathy 4; Left ventricular noncompaction 10. Last evaluated: 2024-01-04. Review status: criteria provided, single submitter. Criteria: ACMG Guidelines, 2015. Collection method: clinical testing. Allele origin: germline.

Human Genome Sequencing Center Clinical Lab, Baylor College of Medicine
Classification: Likely pathogenic for hypertrophic cardiomyopathy. Last evaluated: 2023-06-09. Review status: criteria provided, single submitter. Criteria: ACMG Guidelines, 2015. Collection method: clinical testing. Allele origin: unknown.
Comment: The c.1591G>A (p.Gly531Arg) variant of the MYBPC3 gene replaces glycine with arginine at codon 531 of the MYBPC3 protein. This variant has been reported in more than 10 unrelated individuals affected with hypertrophic cardiomyopathy (HCM) (PMID: 18533079, 20624503, 21750094, 23508784, 27483260, 27532257, 27600940, 28356264, 33673806, 21835320,33673806). A functional study in which the c.1591G>C (p.Gly531Arg) variant was transfected into MYBPC3 knockout mouse cardiomyocytes alone and in combination with wild-type MYBPC3 (to represent homozygous and heterozygous disease states) revealed abnormal contractile force in both scenarios compared to wild-type (PMID: 27108529). In addition, an alternative nucleotide change resulting in the same protein change (c.1591G>C; p.Gly531Arg) has been classified as likely pathogenic for autosomal dominant HCM by 7 submitters in ClinVar (Variation ID: 42550). Computational evidence supports a deleterious effect on the protein structure and function (REVEL score 0.854). This variant has been identified in 8/247086 chromosomes in the general population (gnomAD). Based on these evidence, the c.1591G>A (p.Gly531Arg) variant of the MYBPC3 gene is interpreted as likely pathogenic.

Illumina Laboratory Services, Illumina
Classification: Likely pathogenic for Hypertrophic cardiomyopathy 4. Last evaluated: 2023-05-22. Review status: criteria provided, single submitter. Criteria: ICSLVariantClassificationCriteria RUGD 01 April 2020. Collection method: clinical testing. Allele origin: unknown.
Comment: The MYBPC3 c.1591G>A (p.Gly531Arg) missense variant has been reported in two individuals with hypertrophic cardiomyopathy (HCM) and one with dilated cardiomyopathy (PMID: 21750094; 33673806). A c.1591G>C variant, which results in the same amino acid change, has been reported in at least five unrelated individuals with HCM and has been shown to segregate with the disease in the affected child of one proband (PMID: 21835320; 24793961; 25351510; 27532257; doi:10.1016/j.genrep.2021.101471). The c.1591G>C variant has also been reported in two individuals with early-onset disease who carried a second variant in MYBPC3 (PMID: 27483260). In addition, the p.Gly531Arg variant has been identified in at least three additional individuals with HCM without the nucleotide change being specified (PMID: 16858239; 20031602; 22765922). The c.1591G>A variant is not observed at a significant frequency in version 2.1.1 or version 3.1.2 of the Genome Aggregation Database. Multiple lines of computational evidence suggest the variant may have a deleterious effect on the gene or gene product. Functional studies demonstrated that the c.1591G>A (p.Gly531Arg) variant was unable to restore maximal force to the wild-type level when it was co-expressed with the wild-type protein in engineered heart tissue from MYBPC3 knock-out mice (PMID: 27108529). Based on the available evidence, the c.1591G>A (p.Gly531Arg) variant is classified as likely pathogenic for hypertrophic cardiomyopathy.

CHEO Genetics Diagnostic Laboratory, Children's Hospital of Eastern Ontario
Classification: Likely pathogenic for Cardiomyopathy. Last evaluated: 2023-05-12. Review status: criteria provided, single submitter. Criteria: ACMG Guidelines, 2015. Collection method: clinical testing. Allele origin: germline.